The following is an entry in ClinVar:

NM_032119.4(ADGRV1):c.6797G>A (p.Gly2266Asp)

Gene: ADGRV1 (adhesion G protein-coupled receptor V1; plus strand). Cytogenetic location: 5q14.3.
Variant type: single nucleotide variant.
Coding change: c.6797G>A on transcript NM_032119.4 (MANE Select); coding-DNA position 6797, G replaced by A.
Protein change: p.Gly2266Asp; replaces glycine 2266 with aspartic acid.
Molecular consequence: missense variant. On other transcripts: non-coding transcript variant (1).
Genome position (GRCh38, 1-based): chr5:90,690,887, G>A. VCF-style: chr5-90690887-G-A. GRCh37 (hg19) VCF-style: chr5-89986704-G-A.
Other names: short protein forms G2266D.
Identifiers: ClinVar variation 1317929 (VCV001317929.5), dbSNP rs771132013, ClinGen allele CA3339878.
Genomic context (GRCh38, chr5:90,690,887, plus strand): 5'-AACCTGAGTTTAACTCAGTGAAGGTAAACCTGCCAATAATTCGAAATTCTGGGACACTCG[G>A]CAATGTTACTGTTCAGTGGGTTGCCACCATTAATGGACAGCTTGCTACTGGCGACCTGCG-3'
Protein context (NP_115495.3, residues 2256-2276): LPIIRNSGTL[Gly2266Asp]NVTVQWVATI

ClinVar aggregate classification (germline): Conflicting classifications of pathogenicity. Review status: criteria provided, conflicting classifications (1 of 4 stars). 2 submissions from 2 submitters: Uncertain significance (1); Likely benign (1). Last evaluated 2023-10-22.

Allele frequency attached by ClinVar (database versions not stated): gnomAD exomes 0.00001 and 0.00002; ExAC 0.00003.
gnomAD v4.1: 11 of 1,613,442 alleles (0.00068%); highest among the groups gnomAD compares: South Asian, 0.011%; no homozygotes.

Submissions (2):

Labcorp Genetics (formerly Invitae), Labcorp
Classification: Likely benign. Last evaluated: 2023-10-22. Review status: criteria provided, single submitter. Criteria: Invitae Variant Classification Sherloc (09022015). Collection method: clinical testing. Allele origin: germline.

GeneDx
Classification: Uncertain significance. Last evaluated: 2021-07-22. Review status: criteria provided, single submitter. Criteria: GeneDx Variant Classification Process June 2021. Collection method: clinical testing. Allele origin: germline. Affected: yes.
Comment: In silico analysis supports that this missense variant has a deleterious effect on protein structure/function; Has not been previously published as pathogenic or benign to our knowledge